The following is an entry in ClinVar:

NM_006080.3(SEMA3A):c.1088A>G (p.Asn363Ser)

Gene: SEMA3A (semaphorin 3A; minus strand). Cytogenetic location: 7q21.11.
Variant type: single nucleotide variant.
Coding change: c.1088A>G on transcript NM_006080.3 (MANE Select); coding-DNA position 1088, A replaced by G.
Protein change: p.Asn363Ser; replaces asparagine 363 with serine.
Molecular consequence: missense variant.
Genome position (GRCh38, 1-based): chr7:84,007,405, T>C on the plus strand (A>G on the coding strand, the complement: SEMA3A is on the minus strand). VCF-style: chr7-84007405-T-C. GRCh37 (hg19) VCF-style: chr7-83636721-T-C.
Other names: short protein forms N363S.
Identifiers: ClinVar variation 4990924 (VCV004990924.1).

ClinVar aggregate classification (germline): Uncertain significance (1 of 4 stars; one submission).

Conditions:
SEMA3A-related disorder. Also called: SEMA3A-related condition.

gnomAD v4.1: 1 of 1,609,982 alleles (0.000062%); highest among the groups gnomAD compares: East Asian, 0.0022%; no homozygotes.

Submission:

PreventionGenetics, part of Exact Sciences
Classification: Uncertain significance for SEMA3A-related condition. Last evaluated: 2026-05-18. Review status: criteria provided, single submitter. Criteria: ACMG Guidelines, 2015. Collection method: clinical testing. Allele origin: germline.
Comment: The SEMA3A c.1088A>G variant is predicted to result in the amino acid substitution p.Asn363Ser. To our knowledge, this variant has not been reported in the literature. This variant is reported in 0.0055% of alleles in individuals of East Asian descent in gnomAD. At this time, the clinical significance of this variant is uncertain due to the absence of conclusive functional and genetic evidence.